The following is an entry in ClinVar:

NM_000059.4(BRCA2):c.6751C>T (p.His2251Tyr)

Gene: BRCA2 (BRCA2 DNA repair associated; plus strand). Cytogenetic location: 13q13.1.
Variant type: single nucleotide variant.
Coding change: c.6751C>T on transcript NM_000059.4 (MANE Select); coding-DNA position 6751, C replaced by T.
Protein change: p.His2251Tyr; replaces histidine 2251 with tyrosine.
Molecular consequence: missense variant.
Genome position (GRCh38, 1-based): chr13:32,341,106, C>T. VCF-style: chr13-32341106-C-T. GRCh37 (hg19) VCF-style: chr13-32915243-C-T.
Other names: short protein forms H2251Y.
Identifiers: ClinVar variation 642108 (VCV000642108.14), dbSNP rs1260385979, ClinGen allele CA387791141.
Genomic context (GRCh38, chr13:32,341,106, plus strand): 5'-GCTAAAGCTTTTATGGAAGATGATGAACTGACAGATTCTAAACTGCCAAGTCATGCCACA[C>T]ATTCTCTTTTTACATGTCCCGAAAATGAGGAAATGGTTTTGTCAAATTCAAGAATTGGAA-3'
Protein context (NP_000050.3, residues 2241-2261): TDSKLPSHAT[His2251Tyr]SLFTCPENEE

ClinVar aggregate classification (germline): Conflicting classifications of pathogenicity. Review status: criteria provided, conflicting classifications (1 of 4 stars). 4 submissions from 4 submitters: Uncertain significance (3); Likely benign (1). Last evaluated 2025-10-01.

Conditions:
Hereditary breast ovarian cancer syndrome. Also called: Hereditary breast and ovarian cancer syndrome; Hereditary breast and/or ovarian cancer syndrome; Breast and ovarian cancer; BRCA1- and BRCA2-Associated Hereditary Breast and Ovarian Cancer; Hereditary breast and ovarian cancer; Hereditary breast and ovarian cancer syndrome (HBOC). Identifiers: Orphanet 145, MedGen C0677776, MeSH D061325, MONDO:0003582. Disease mechanism: loss of function.
Hereditary cancer-predisposing syndrome. Also called: Neoplastic Syndromes, Hereditary; Hereditary Cancer Syndrome; Hereditary neoplastic syndrome; Tumor predisposition. Identifiers: Orphanet 140162, MedGen C0027672, MeSH D009386, MONDO:0015356.
Breast-ovarian cancer, familial, susceptibility to, 2 (BROVCA2). Also called: BRCA2 Hereditary Breast and Ovarian Cancer. Identifiers: Orphanet 145, MedGen C2675520, MONDO:0012933, OMIM 612555. Disease mechanism: loss of function.

Allele frequency attached by ClinVar (database versions not stated): gnomAD exomes below 0.00001 and 0.00001; TOPMed below 0.00001; gnomAD 0.00001.
gnomAD v4.1: 5 of 1,613,838 alleles (0.00031%); highest among the groups gnomAD compares: Non-Finnish European, 0.00042%; no homozygotes.

Submissions (4):

Labcorp Genetics (formerly Invitae), Labcorp
Classification: Uncertain significance for Hereditary breast ovarian cancer syndrome. Last evaluated: 2025-10-01. Review status: criteria provided, single submitter. Criteria: Invitae Variant Classification Sherloc (09022015). Collection method: clinical testing. Allele origin: germline.
Comment: This sequence change replaces histidine, which is basic and polar, with tyrosine, which is neutral and polar, at codon 2251 of the BRCA2 protein (p.His2251Tyr). This variant is present in population databases (no rsID available, gnomAD 0.0009%). This missense change has been observed in individual(s) with clinical features of BRCA2-related conditions (PMID: 21520333). ClinVar contains an entry for this variant (Variation ID: 642108). Invitae Evidence Modeling of protein sequence and biophysical properties (such as structural, functional, and spatial information, amino acid conservation, physicochemical variation, residue mobility, and thermodynamic stability) indicates that this missense variant is not expected to disrupt BRCA2 protein function with a negative predictive value of 95%. In summary, the available evidence is currently insufficient to determine the role of this variant in disease. Therefore, it has been classified as a Variant of Uncertain Significance.

Bioscientia Institut fuer Medizinische Diagnostik GmbH, Sonic Healthcare
Classification: Uncertain significance for Breast-ovarian cancer, familial, susceptibility to, 2. Last evaluated: 2025-02-05. Review status: criteria provided, single submitter. Criteria: ACMG Guidelines, 2015. Collection method: clinical testing. Allele origin: germline. Affected: yes.

Ambry Genetics
Classification: Uncertain significance for Hereditary cancer-predisposing syndrome. Last evaluated: 2024-05-14. Review status: criteria provided, single submitter. Criteria: Ambry Variant Classification Scheme 2023. Collection method: clinical testing. Allele origin: germline.
Comment: The p.H2251Y variant (also known as c.6751C>T), located in coding exon 10 of the BRCA2 gene, results from a C to T substitution at nucleotide position 6751. The histidine at codon 2251 is replaced by tyrosine, an amino acid with similar properties. This amino acid position is not well conserved in available vertebrate species. In addition, the in silico prediction for this alteration is inconclusive. Since supporting evidence is limited at this time, the clinical significance of this alteration remains unclear.

University of Washington Department of Laboratory Medicine, University of Washington
Classification: Likely benign for Hereditary cancer-predisposing syndrome. Last evaluated: 2023-03-23. Review status: criteria provided, single submitter. Criteria: Dines et al. (Genet Med. 2020). Collection method: curation. Allele origin: germline.
Comment: Missense variant in a coldspot region where missense variants are very unlikely to be pathogenic (PMID:31911673).

BRCA2 exon 11 coldspot. Reclassification based on statistical prior probability.

Literature cited by the submitters: PubMed 21520333 (cited by Labcorp Genetics (formerly Invitae), Labcorp).